The following is an entry in ClinVar:

NM_025074.7(FRAS1):c.9915C>T (p.His3305=)

Gene: FRAS1 (Fraser extracellular matrix complex subunit 1; plus strand). Cytogenetic location: 4q21.21.
Variant type: single nucleotide variant.
Coding change: c.9915C>T on transcript NM_025074.7 (MANE Select); coding-DNA position 9915, C replaced by T.
Protein change: p.His3305=; no amino-acid change (histidine 3305 retained).
Molecular consequence: synonymous variant.
Genome position (GRCh38, 1-based): chr4:78,511,408, C>T. VCF-style: chr4-78511408-C-T. GRCh37 (hg19) VCF-style: chr4-79432562-C-T.
Identifiers: ClinVar variation 3046711 (VCV003046711.2), dbSNP rs766022743, ClinGen allele CA440225212.

ClinVar aggregate classification (germline): Likely benign (0 of 4 stars; one submission).

Conditions:
FRAS1-related disorder. Also called: FRAS1-related condition.

Allele frequency attached by ClinVar (database versions not stated): TOPMed below 0.00001.

Submission:

PreventionGenetics, part of Exact Sciences
Classification: Likely benign for FRAS1-related condition. Last evaluated: 2021-03-31. Review status: no assertion criteria provided. Collection method: clinical testing. Allele origin: germline.
Comment: This variant is classified as likely benign based on ACMG/AMP sequence variant interpretation guidelines (Richards et al. 2015 PMID: 25741868, with internal and published modifications).